The following is an entry in ClinVar:

NM_003114.5(SPAG1):c.2021A>G (p.Glu674Gly)

Genes: SPAG1 (sperm associated antigen 1; plus strand), VPS13B (vacuolar protein sorting 13 homolog B; plus strand). Cytogenetic location: 8q22.2.
Variant type: single nucleotide variant.
Coding change: c.2021A>G on transcript NM_003114.5 (MANE Select); coding-DNA position 2021, A replaced by G.
Protein change: p.Glu674Gly; replaces glutamic acid 674 with glycine.
Molecular consequence: missense variant.
Genome position (GRCh38, 1-based): chr8:100,233,443, A>G. VCF-style: chr8-100233443-A-G. GRCh37 (hg19) VCF-style: chr8-101245671-A-G.
Other names: c.2021A>G, p.Glu674Gly (NM_001374321.1, NM_172218.3); short protein forms E674G.
Identifiers: ClinVar variation 1003663 (VCV001003663.4), dbSNP rs777946738, ClinGen allele CA4827661.
Genomic context (GRCh38, chr8:100,233,443, plus strand): 5'-AATACTGAGTTCCATTGCATTATGCCAGAGCTCTCTGTTACTTGAAGCTGTGCCAGTTTG[A>G]AGAAGCAAAGCAGGACTGTGATCAGGCACTTCAGCTAGCTGATGGGAACGTGAAAGCCTT-3'
Protein context (NP_003105.2, residues 664-684): ALCYLKLCQF[Glu674Gly]EAKQDCDQAL

ClinVar aggregate classification (germline): Uncertain significance. Review status: criteria provided, single submitter (1 of 4 stars). 2 submissions from 2 submitters: Uncertain significance (1). 1 of the submissions does not count toward it. Last evaluated 2021-09-15.

Conditions:
VPS13B-related disorder. Also called: VPS13B-related condition.
Primary ciliary dyskinesia 28. Also called: CILIARY DYSKINESIA, PRIMARY, 28, WITH OR WITHOUT SITUS INVERSUS. Identifiers: Orphanet 244, MedGen C3809706, MONDO:0014216, OMIM 615505.

Allele frequency attached by ClinVar (database versions not stated): gnomAD exomes below 0.00001 and 0.00001; ExAC 0.00001; TOPMed 0.00002; gnomAD 0.00003 and 0.00004.

Submissions (2):

Labcorp Genetics (formerly Invitae), Labcorp
Classification: Uncertain significance for Primary ciliary dyskinesia 28. Last evaluated: 2021-09-15. Review status: criteria provided, single submitter. Criteria: Invitae Variant Classification Sherloc (09022015). Collection method: clinical testing. Allele origin: germline.
Comment: This sequence change replaces glutamic acid with glycine at codon 674 of the SPAG1 protein (p.Glu674Gly). The glutamic acid residue is moderately conserved and there is a moderate physicochemical difference between glutamic acid and glycine. This variant is present in population databases (rs777946738, ExAC 0.001%). This variant has not been reported in the literature in individuals affected with SPAG1-related conditions. Algorithms developed to predict the effect of missense changes on protein structure and function are either unavailable or do not agree on the potential impact of this missense change (SIFT: "Deleterious"; PolyPhen-2: "Possibly Damaging"; Align-GVGD: "Class C0"). In summary, the available evidence is currently insufficient to determine the role of this variant in disease. Therefore, it has been classified as a Variant of Uncertain Significance.

PreventionGenetics, part of Exact Sciences
Classification: Likely benign for VPS13B-related condition. Last evaluated: 2023-03-29. Review status: no assertion criteria provided. Collection method: clinical testing. Allele origin: germline. Not counted in ClinVar's aggregate classification.
Comment: This variant is classified as likely benign based on ACMG/AMP sequence variant interpretation guidelines (Richards et al. 2015 PMID: 25741868, with internal and published modifications).